The following is an entry in ClinVar:

ClinVar aggregate classification (germline): Uncertain significance (1 of 4 stars; one submission).

Conditions:
Cardiovascular phenotype. Identifiers: MedGen CN230736.

Submission:

Ambry Genetics
Classification: Uncertain significance for Cardiovascular phenotype. Last evaluated: 2025-11-04. Review status: criteria provided, single submitter. Criteria: Ambry Variant Classification Scheme 2023. Collection method: clinical testing. Allele origin: germline.
Comment: The p.P199R variant (also known as c.596C>G), located in coding exon 1 of the ZNF469 gene, results from a C to G substitution at nucleotide position 596. The proline at codon 199 is replaced by arginine, an amino acid with dissimilar properties. This amino acid position is conserved. In addition, this alteration is predicted to be tolerated by in silico analysis. Based on the available evidence, the clinical significance of this variant remains unclear.

NM_001127464.1:c.596C>G

Gene: ZNF469 (zinc finger protein 469; plus strand).
Variant type: single nucleotide variant.
Identifiers: ClinVar variation 4615490 (VCV004615490.1).